The following is an entry in ClinVar:

NM_181882.3(PRX):c.3702C>T (p.Gly1234=)

Gene: PRX (periaxin; minus strand). Cytogenetic location: 19q13.2.
Variant type: single nucleotide variant.
Coding change: c.3702C>T on transcript NM_181882.3 (MANE Select); coding-DNA position 3702, C replaced by T.
Protein change: p.Gly1234=; no amino-acid change (glycine 1234 retained).
Molecular consequence: synonymous variant. On other transcripts: 3 prime UTR variant (1).
Genome position (GRCh38, 1-based): chr19:40,394,650, G>A on the plus strand (C>T on the coding strand, the complement: PRX is on the minus strand). VCF-style: chr19-40394650-G-A. GRCh37 (hg19) VCF-style: chr19-40900557-G-A.
Other names: p.Gly1234=; c.*3907C>T (NM_020956.2).
Identifiers: ClinVar variation 329255 (VCV000329255.18), dbSNP rs139950446, ClinGen allele CA9443805.

ClinVar aggregate classification (germline): Benign/Likely benign. Review status: criteria provided, multiple submitters, no conflicts (2 of 4 stars). 6 submissions from 6 submitters: Benign (4); Likely benign (2). Last evaluated 2026-01-26.

Conditions:
Charcot-Marie-Tooth disease type 4F. Also called: Charcot-Marie-Tooth disease, demyelinating, type 4F. Identifiers: Orphanet 99952, MedGen C3540453, MONDO:0013959, OMIM 614895.
Charcot-Marie-Tooth disease type 4. Also called: Charcot-Marie-Tooth, Type 4; Charcot-Marie-Tooth disease, type IV. Identifiers: Orphanet 64749, MedGen C4082197, MONDO:0018995.
Charcot-Marie-Tooth disease. Also called: Charcot-Marie-Tooth Neuropathy; Charcot-Marie-Tooth Hereditary Neuropathy. Identifiers: Orphanet 166, MedGen C0007959, MONDO:0015626.

Allele frequency attached by ClinVar (database versions not stated): ESP Exome Variant Server 0.00054; TOPMed 0.00170; gnomAD exomes 0.00205 and 0.00483; gnomAD 0.00291 and 0.00328; ExAC 0.00483; 1000 Genomes Project 30x 0.00828; 1000 Genomes Project 0.00899.
gnomAD v4.1: 3,629 of 1,607,154 alleles (0.23%); highest among the groups gnomAD compares: East Asian, 2.9%; 47 homozygotes.

Submissions (6):

Labcorp Genetics (formerly Invitae), Labcorp
Classification: Benign for Charcot-Marie-Tooth disease type 4. Last evaluated: 2026-01-26. Review status: criteria provided, single submitter. Criteria: Invitae Variant Classification Sherloc (09022015). Collection method: clinical testing. Allele origin: germline.

Mayo Clinic Laboratories, Mayo Clinic
Classification: Benign. Last evaluated: 2023-07-07. Review status: criteria provided, single submitter. Criteria: ACMG Guidelines, 2015. Collection method: clinical testing. Allele origin: germline. Observed: 6 variant alleles.

Illumina Laboratory Services, Illumina
Classification: Benign for Charcot-Marie-Tooth disease type 4F. Last evaluated: 2018-01-13. Review status: criteria provided, single submitter. Criteria: ICSL Variant Classification Criteria 13 December 2019. Collection method: clinical testing. Allele origin: germline.
Comment: This variant was observed in the ICSL laboratory as part of a predisposition screen in an ostensibly healthy population. It had not been previously curated by ICSL or reported in the Human Gene Mutation Database (HGMD: prior to June 1st, 2018), and was therefore a candidate for classification through an automated scoring system. Utilizing variant allele frequency, disease prevalence and penetrance estimates, and inheritance mode, an automated score was calculated to assess if this variant is too frequent to cause the disease. Based on the score and internal cut-off values, a variant classified as benign is not then subjected to further curation. The score for this variant resulted in a classification of benign for this disease.

GeneDx
Classification: Benign. Last evaluated: 2016-09-19. Review status: criteria provided, single submitter. Criteria: GeneDx Variant Classification (06012015). Collection method: clinical testing. Allele origin: germline. Affected: yes.
Comment: This variant is considered likely benign or benign based on one or more of the following criteria: it is a conservative change, it occurs at a poorly conserved position in the protein, it is predicted to be benign by multiple in silico algorithms, and/or has population frequency not consistent with disease.

Breakthrough Genomics
Classification: Likely benign. Review status: criteria provided, single submitter. Criteria: ACMG Guidelines, 2015. Collection method: not provided. Allele origin: germline. Inheritance: Autosomal recessive inheritance. Affected: yes.

Molecular Genetics Laboratory, London Health Sciences Centre
Classification: Likely benign for Charcot-Marie-Tooth disease. Review status: criteria provided, single submitter. Criteria: ACMG Guidelines, 2015. Collection method: clinical testing. Allele origin: germline. Affected: yes.